The following is an entry in ClinVar:

ClinVar aggregate classification (germline): Pathogenic (1 of 4 stars; one submission).

Conditions:
Spastic paraplegia. Identifiers: MedGen C0037772, HP:0001258.

gnomAD v4.1: 1 of 1,613,792 alleles (0.000062%); no homozygotes.

Submission:

Labcorp Genetics (formerly Invitae), Labcorp
Classification: Pathogenic for Spastic paraplegia. Last evaluated: 2021-08-23. Review status: criteria provided, single submitter. Criteria: Invitae Variant Classification Sherloc (09022015). Collection method: clinical testing. Allele origin: germline.
Comment: For these reasons, this variant has been classified as Pathogenic. This variant disrupts a region of the SACS protein in which other variant(s) (p.Tyr4538*) have been determined to be pathogenic (Invitae). This suggests that this is a clinically significant region of the protein, and that variants that disrupt it are likely to be disease-causing. This variant has not been reported in the literature in individuals affected with SACS-related conditions. This variant is not present in population databases (ExAC no frequency). This sequence change creates a premature translational stop signal (p.Trp3278*) in the SACS gene. While this is not anticipated to result in nonsense mediated decay, it is expected to disrupt the last 1302 amino acid(s) of the SACS protein.

NM_014363.6(SACS):c.9834G>A (p.Trp3278Ter)

Gene: SACS (sacsin molecular chaperone; minus strand). Cytogenetic location: 13q12.12.
Variant type: single nucleotide variant.
Coding change: c.9834G>A on transcript NM_014363.6 (MANE Select); coding-DNA position 9834, G replaced by A.
Protein change: p.Trp3278Ter; replaces tryptophan 3278 with a stop codon.
Molecular consequence: nonsense.
Genome position (GRCh38, 1-based): chr13:23,334,042, C>T on the plus strand (G>A on the coding strand, the complement: SACS is on the minus strand). VCF-style: chr13-23334042-C-T. GRCh37 (hg19) VCF-style: chr13-23908181-C-T.
Other names: c.9393G>A, p.Trp3131Ter (NM_001278055.2); short protein forms W3278*, W3131*.
Identifiers: ClinVar variation 1431400 (VCV001431400.6), dbSNP rs1174846895, ClinGen allele CA387513551.